The following is an entry in ClinVar:

ClinVar aggregate classification (germline): Uncertain significance (0 of 4 stars; one submission).

Conditions:
UCP3-related disorder. Also called: UCP3-related condition.

gnomAD v4.1: 21 of 1,614,232 alleles (0.0013%); highest among the groups gnomAD compares: East Asian, 0.047%; no homozygotes.

Submission:

PreventionGenetics, part of Exact Sciences
Classification: Uncertain significance for UCP3-related condition. Last evaluated: 2024-08-08. Review status: no assertion criteria provided. Collection method: clinical testing. Allele origin: germline.
Comment: The UCP3 c.918G>T variant is predicted to result in the amino acid substitution p.Met306Ile. To our knowledge, this variant has not been reported in the literature. This variant is reported in 0.13% of alleles in individuals of East Asian descent in gnomAD. Although we suspect that this variant may be benign, at this time, the clinical significance of this variant is uncertain due to the absence of conclusive functional and genetic evidence.

NM_003356.4(UCP3):c.918G>T (p.Met306Ile)

Gene: UCP3 (uncoupling protein 3; minus strand). Cytogenetic location: 11q13.4.
Variant type: single nucleotide variant.
Coding change: c.918G>T on transcript NM_003356.4 (MANE Select); coding-DNA position 918, G replaced by T.
Protein change: p.Met306Ile; replaces methionine 306 with isoleucine.
Molecular consequence: missense variant.
Genome position (GRCh38, 1-based): chr11:74,001,433, C>A on the plus strand (G>T on the coding strand, the complement: UCP3 is on the minus strand). VCF-style: chr11-74001433-C-A. GRCh37 (hg19) VCF-style: chr11-73712478-C-A.
Other names: short protein forms M306I.
Identifiers: ClinVar variation 3354181 (VCV003354181.1).